The following is an entry in ClinVar:

ClinVar aggregate classification (germline): Benign. Review status: criteria provided, multiple submitters, no conflicts (2 of 4 stars). 12 submissions from 10 submitters: Benign (10). 2 of the submissions do not count toward it. Last evaluated 2026-02-04.

Conditions:
Heimler syndrome 2 (HMLR2). Also called: PEROXISOME BIOGENESIS DISORDER 4C. Identifiers: Orphanet 3220, MedGen C4225267, OMIM 616617, MONDO:0014709.
Zellweger spectrum disorders (ZS). Also called: Zellweger syndrome; Zellweger Spectrum Disorder (ZSD); Zellweger Spectrum Disorder; Zellweger Spectrum. Identifiers: Orphanet 912, MedGen C0043459, MONDO:0019609.
Peroxisome biogenesis disorder 4A (Zellweger) (PBD4A). Also called: Zellweger syndrome spectrum (PEX6-related). Identifiers: Orphanet 912, MedGen C3553936, MONDO:0013930, OMIM 614862. Disease mechanism: loss of function.
Peroxisome biogenesis disorder 4B (PBD4B). Also called: SPINOCEREBELLAR ATAXIA WITH BLINDNESS AND DEAFNESS 1. Identifiers: Orphanet 44, Orphanet 95433, MedGen C3553937, MONDO:0013931, OMIM 614863.
Peroxisome biogenesis disorder. Identifiers: Orphanet 79189, MedGen C1832200, MONDO:0019234. Disease mechanism: loss of function.

Allele frequency attached by ClinVar (database versions not stated): gnomAD 0.40479 and 0.40058; TOPMed 0.39416; ESP Exome Variant Server 0.42688; gnomAD exomes 0.43218; 1000 Genomes Project 0.33147; 1000 Genomes Project 30x 0.33385.
gnomAD v4.1: 691,301 of 1,612,380 alleles (43%); highest among the groups gnomAD compares: Middle Eastern, 46%; 152,134 homozygotes.

Submissions (12):

Labcorp Genetics (formerly Invitae), Labcorp
Classification: Benign for Peroxisome biogenesis disorder. Last evaluated: 2026-02-04. Review status: criteria provided, single submitter. Criteria: Invitae Variant Classification Sherloc (09022015). Collection method: clinical testing. Allele origin: germline.

Blueprint Genetics
Classification: Benign. Last evaluated: 2024-11-27. Review status: criteria provided, single submitter. Criteria: ACMG Guidelines, 2015. Collection method: clinical testing. Allele origin: germline.

Genome-Nilou Lab
Classification: Benign for Heimler syndrome 2. Last evaluated: 2021-07-10. Review status: criteria provided, single submitter. Criteria: ACMG Guidelines, 2015. Collection method: clinical testing. Allele origin: germline. Affected: no.

Genome-Nilou Lab
Classification: Benign for Peroxisome biogenesis disorder 4A (Zellweger). Last evaluated: 2021-07-10. Review status: criteria provided, single submitter. Criteria: ACMG Guidelines, 2015. Collection method: clinical testing. Allele origin: germline. Affected: no.

Genome-Nilou Lab
Classification: Benign for Peroxisome biogenesis disorder 4B. Last evaluated: 2021-07-10. Review status: criteria provided, single submitter. Criteria: ACMG Guidelines, 2015. Collection method: clinical testing. Allele origin: germline. Affected: no.

GeneDx
Classification: Benign. Last evaluated: 2018-06-13. Review status: criteria provided, single submitter. Criteria: GeneDx Variant Classification (06012015). Collection method: clinical testing. Allele origin: germline. Affected: yes.
Comment: This variant is considered likely benign or benign based on one or more of the following criteria: it is a conservative change, it occurs at a poorly conserved position in the protein, it is predicted to be benign by multiple in silico algorithms, and/or has population frequency not consistent with disease.

Illumina Laboratory Services, Illumina
Classification: Benign for Peroxisome biogenesis disorder 4A (Zellweger). Last evaluated: 2018-01-13. Review status: criteria provided, single submitter. Criteria: ICSL Variant Classification Criteria 13 December 2019. Collection method: clinical testing. Allele origin: germline.
Comment: This variant was observed in the ICSL laboratory as part of a predisposition screen in an ostensibly healthy population. It had not been previously curated by ICSL or reported in the Human Gene Mutation Database (HGMD: prior to June 1st, 2018), and was therefore a candidate for classification through an automated scoring system. Utilizing variant allele frequency, disease prevalence and penetrance estimates, and inheritance mode, an automated score was calculated to assess if this variant is too frequent to cause the disease. Based on the score and internal cut-off values, a variant classified as benign is not then subjected to further curation. The score for this variant resulted in a classification of benign for this disease.

Women's Health and Genetics/Laboratory Corporation of America, LabCorp
Classification: Benign. Last evaluated: 2016-10-10. Review status: criteria provided, single submitter. Criteria: LabCorp Variant Classification Summary - May 2015. Collection method: clinical testing. Allele origin: germline.
Comment: Variant summary: The PEX6 c.2816C>A (p.Pro939Gln) variant involves the alteration of a non-conserved nucleotide. 3/4 in silico tools predict a benign outcome for this variant (SNPs&GO not captured due to low reliability index). This variant was found in 46985/120122 control chromosomes (9823 homozygotes) at a frequency of 0.391144, which is approximately 202 times the estimated maximal expected allele frequency of a pathogenic PEX6 variant (0.0019365), evidence that this variant is a benign polymorphism. In addition, multiple clinical diagnostic laboratories/reputable databases classified this variant as benign. Taken together, this variant is classified as benign.

Eurofins Ntd Llc (ga)
Classification: Benign. Last evaluated: 2016-02-25. Review status: criteria provided, single submitter. Criteria: EGL Classification Definitions 2015. Collection method: clinical testing. Allele origin: germline. Observed: 12 variant alleles, 9 heterozygotes, 3 homozygotes.

PreventionGenetics, part of Exact Sciences
Classification: Benign. Review status: criteria provided, single submitter. Criteria: ACMG Guidelines, 2015. Collection method: clinical testing. Allele origin: germline.

Natera, Inc.
Classification: Benign for Zellweger syndrome. Last evaluated: 2020-09-16. Review status: no assertion criteria provided. Collection method: clinical testing. Allele origin: germline. Not counted in ClinVar's aggregate classification.

Mayo Clinic Laboratories, Mayo Clinic
Classification: Benign. Last evaluated: 2015-10-21. Review status: no assertion criteria provided. Collection method: clinical testing. Allele origin: unknown. Not counted in ClinVar's aggregate classification.

NM_000287.4(PEX6):c.2816C>A (p.Pro939Gln)

Gene: PEX6 (peroxisomal biogenesis factor 6; minus strand). Cytogenetic location: 6p21.1.
Variant type: single nucleotide variant.
Coding change: c.2816C>A on transcript NM_000287.4 (MANE Select); coding-DNA position 2816, C replaced by A.
Protein change: p.Pro939Gln; replaces proline 939 with glutamine.
Molecular consequence: missense variant. On other transcripts: non-coding transcript variant (1).
Genome position (GRCh38, 1-based): chr6:42,964,462, G>T on the plus strand (C>A on the coding strand, the complement: PEX6 is on the minus strand). VCF-style: chr6-42964462-G-T. GRCh37 (hg19) VCF-style: chr6-42932200-G-T.
Other names: c.2552C>A, p.Pro851Gln (NM_001316313.2); short protein forms P939Q, P851Q.
Identifiers: ClinVar variation 92787 (VCV000092787.26), dbSNP rs1129187, ClinGen allele CA146010.